The following is an entry in ClinVar:

NM_014991.6(WDFY3):c.5978C>T (p.Ser1993Phe)

Gene: WDFY3 (WD repeat and FYVE domain containing 3; minus strand). Cytogenetic location: 4q21.23.
Variant type: single nucleotide variant.
Coding change: c.5978C>T on transcript NM_014991.6 (MANE Select); coding-DNA position 5978, C replaced by T.
Protein change: p.Ser1993Phe; replaces serine 1993 with phenylalanine.
Molecular consequence: missense variant.
Genome position (GRCh38, 1-based): chr4:84,743,795, G>A on the plus strand (C>T on the coding strand, the complement: WDFY3 is on the minus strand). VCF-style: chr4-84743795-G-A. GRCh37 (hg19) VCF-style: chr4-85664948-G-A.
Other names: short protein forms S1993F.
Identifiers: ClinVar variation 4977812 (VCV004977812.1).

ClinVar aggregate classification (germline): Uncertain significance (1 of 4 stars; one submission).

Conditions:
WDFY3-related disorder.

gnomAD v4.1: 4 of 1,560,092 alleles (0.00026%); highest among the groups gnomAD compares: Non-Finnish European, 0.00035%; no homozygotes.

Submission:

PreventionGenetics, part of Exact Sciences
Classification: Uncertain significance for WDFY3-related condition. Last evaluated: 2026-09-16. Review status: criteria provided, single submitter. Criteria: ACMG Guidelines, 2015. Collection method: clinical testing. Allele origin: germline.
Comment: The WDFY3 c.5978C>T variant is predicted to result in the amino acid substitution p.Ser1993Phe. To our knowledge, this variant has not been reported in the literature or in a large population database (gnomAD), indicating this variant is rare. At this time, the clinical significance of this variant is uncertain due to the absence of conclusive functional and genetic evidence.